The following is an entry in ClinVar:

NM_022829.6(SLC13A3):c.237C>A (p.Asn79Lys)

Gene: SLC13A3 (solute carrier family 13 member 3; minus strand). Cytogenetic location: 20q13.12.
Variant type: single nucleotide variant.
Coding change: c.237C>A on transcript NM_022829.6 (MANE Select); coding-DNA position 237, C replaced by A.
Protein change: p.Asn79Lys; replaces asparagine 79 with lysine.
Molecular consequence: missense variant. On other transcripts: intron variant (1).
Genome position (GRCh38, 1-based): chr20:46,613,600, G>T on the plus strand (C>A on the coding strand, the complement: SLC13A3 is on the minus strand). VCF-style: chr20-46613600-G-T. GRCh37 (hg19) VCF-style: chr20-45242239-G-T.
Other names: c.96C>A, p.Asn32Lys (NM_001011554.3, NM_001193340.2); c.237C>A, p.Asn79Lys (NM_001193339.2); c.-10-48C>A (NM_001193342.2); short protein forms N32K, N79K.
Identifiers: ClinVar variation 2896827 (VCV002896827.3), dbSNP rs965686880, ClinGen allele CA315749328.

ClinVar aggregate classification (germline): Uncertain significance (1 of 4 stars; one submission).

Allele frequency attached by ClinVar (database versions not stated): TOPMed below 0.00001; gnomAD 0.00001.
gnomAD v4.1: 2 of 1,613,348 alleles (0.00012%); highest among the groups gnomAD compares: Non-Finnish European, 0.00017%; no homozygotes.

Submission:

Labcorp Genetics (formerly Invitae), Labcorp
Classification: Uncertain significance. Last evaluated: 2023-03-08. Review status: criteria provided, single submitter. Criteria: Invitae Variant Classification Sherloc (09022015). Collection method: clinical testing. Allele origin: germline.
Comment: In summary, the available evidence is currently insufficient to determine the role of this variant in disease. Therefore, it has been classified as a Variant of Uncertain Significance. Advanced modeling of protein sequence and biophysical properties (such as structural, functional, and spatial information, amino acid conservation, physicochemical variation, residue mobility, and thermodynamic stability) performed at Invitae indicates that this missense variant is not expected to disrupt SLC13A3 protein function. This variant has not been reported in the literature in individuals affected with SLC13A3-related conditions. This variant is not present in population databases (gnomAD no frequency). This sequence change replaces asparagine, which is neutral and polar, with lysine, which is basic and polar, at codon 79 of the SLC13A3 protein (p.Asn79Lys).